The following is an entry in ClinVar:

ClinVar aggregate classification (germline): Uncertain significance (1 of 4 stars; one submission).

Allele frequency attached by ClinVar (database versions not stated): gnomAD exomes below 0.00001.
gnomAD v4.1: 1 of 1,613,930 alleles (0.000062%); highest among the groups gnomAD compares: Non-Finnish European, 0.000085%; no homozygotes.

Submission:

Labcorp Genetics (formerly Invitae), Labcorp
Classification: Uncertain significance. Last evaluated: 2022-10-13. Review status: criteria provided, single submitter. Criteria: Invitae Variant Classification Sherloc (09022015). Collection method: clinical testing. Allele origin: germline.
Comment: Advanced modeling of protein sequence and biophysical properties (such as structural, functional, and spatial information, amino acid conservation, physicochemical variation, residue mobility, and thermodynamic stability) performed at Invitae indicates that this missense variant is not expected to disrupt RAI1 protein function. In summary, the available evidence is currently insufficient to determine the role of this variant in disease. Therefore, it has been classified as a Variant of Uncertain Significance. ClinVar contains an entry for this variant (Variation ID: 1474667). This variant has not been reported in the literature in individuals affected with RAI1-related conditions. This variant is not present in population databases (gnomAD no frequency). This sequence change replaces serine, which is neutral and polar, with tyrosine, which is neutral and polar, at codon 1360 of the RAI1 protein (p.Ser1360Tyr).

NM_030665.4(RAI1):c.4079C>A (p.Ser1360Tyr)

Gene: RAI1 (retinoic acid induced 1; plus strand). Cytogenetic location: 17p11.2.
Variant type: single nucleotide variant.
Coding change: c.4079C>A on transcript NM_030665.4 (MANE Select); coding-DNA position 4079, C replaced by A.
Protein change: p.Ser1360Tyr; replaces serine 1360 with tyrosine.
Molecular consequence: missense variant.
Genome position (GRCh38, 1-based): chr17:17,797,027, C>A. VCF-style: chr17-17797027-C-A. GRCh37 (hg19) VCF-style: chr17-17700341-C-A.
Other names: short protein forms S1360Y.
Identifiers: ClinVar variation 1474667 (VCV001474667.8), dbSNP rs2143002878, ClinGen allele CA398555675.